The following is an entry in ClinVar:

ClinVar aggregate classification (germline): Uncertain significance (1 of 4 stars; one submission).

Submission:

Labcorp Genetics (formerly Invitae), Labcorp
Classification: Uncertain significance. Last evaluated: 2023-09-17. Review status: criteria provided, single submitter. Criteria: Invitae Variant Classification Sherloc (09022015). Collection method: clinical testing. Allele origin: germline.
Comment: This sequence change replaces valine, which is neutral and non-polar, with leucine, which is neutral and non-polar, at codon 424 of the MSH3 protein (p.Val424Leu). This variant is not present in population databases (gnomAD no frequency). This variant has not been reported in the literature in individuals affected with MSH3-related conditions. An algorithm developed to predict the effect of missense changes on protein structure and function (PolyPhen-2) suggests that this variant is likely to be disruptive. In summary, the available evidence is currently insufficient to determine the role of this variant in disease. Therefore, it has been classified as a Variant of Uncertain Significance.

NM_002439.5(MSH3):c.1270G>T (p.Val424Leu)

Gene: MSH3 (mutS homolog 3; plus strand). Cytogenetic location: 5q14.1.
Variant type: single nucleotide variant.
Coding change: c.1270G>T on transcript NM_002439.5 (MANE Select); coding-DNA position 1270, G replaced by T.
Protein change: p.Val424Leu; replaces valine 424 with leucine.
Molecular consequence: missense variant.
Genome position (GRCh38, 1-based): chr5:80,679,023, G>T. VCF-style: chr5-80679023-G-T. GRCh37 (hg19) VCF-style: chr5-79974842-G-T.
Other names: short protein forms V424L.
Identifiers: ClinVar variation 2761032 (VCV002761032.3), dbSNP rs1418423507, ClinGen allele CA360269014.
Genomic context (GRCh38, chr5:80,679,023, plus strand): 5'-AGTTTCCAGGACTCTGCTTCTCGTTCAGAGCTAGAAACCCGGATGTCAAGCCTGCAGCCA[G>T]TAGAGCTGCTGCTTCCTTCGGCCTTGTCCGAGCAAACAGAGGCGCTCATCCACAGAGCCA-3'
Protein context (NP_002430.3, residues 414-434): LETRMSSLQP[Val424Leu]ELLLPSALSE